The following is an entry in ClinVar:

ClinVar aggregate classification (germline): Uncertain significance (1 of 4 stars; one submission).

Conditions:
Inborn genetic diseases. Identifiers: MedGen C0950123, MeSH D030342.

Submission:

Ambry Genetics
Classification: Uncertain significance for Inborn genetic diseases. Last evaluated: 2025-01-24. Review status: criteria provided, single submitter. Criteria: Ambry Variant Classification Scheme 2023. Collection method: clinical testing. Allele origin: germline.
Comment: The p.D148N variant (also known as c.442G>A), located in coding exon 1 of the SAMD9 gene, results from a G to A substitution at nucleotide position 442. The aspartic acid at codon 148 is replaced by asparagine, an amino acid with highly similar properties. This amino acid position is conserved. In addition, this alteration is predicted to be tolerated by in silico analysis. Based on the available evidence, the clinical significance of this variant remains unclear.

NM_017654.4(SAMD9):c.442G>A (p.Asp148Asn)

Gene: SAMD9 (sterile alpha motif domain containing 9; minus strand). Cytogenetic location: 7q21.2.
Variant type: single nucleotide variant.
Coding change: c.442G>A on transcript NM_017654.4 (MANE Select); coding-DNA position 442, G replaced by A.
Protein change: p.Asp148Asn; replaces aspartic acid 148 with asparagine.
Molecular consequence: missense variant.
Genome position (GRCh38, 1-based): chr7:93,105,656, C>T on the plus strand (G>A on the coding strand, the complement: SAMD9 is on the minus strand). VCF-style: chr7-93105656-C-T. GRCh37 (hg19) VCF-style: chr7-92734969-C-T.
Other names: c.442G>A, p.Asp148Asn (NM_001193307.2); short protein forms D148N.
Identifiers: ClinVar variation 3792019 (VCV003792019.1).
Genomic context (GRCh38, chr7:93,105,656, plus strand): 5'-CATCAAATGGATATGATACACATGTCAGGTCTATGGATGGTTGCCTTTCCTTTGTATAAT[C>T]TATTTTATCTTCTATGAGCTCAACTTTTAGTGACTTAGAACCTTTAGCAGTTGTACTCAT-3'
Protein context (NP_060124.2, residues 138-158): LKVELIEDKI[Asp148Asn]YTKERQPSID